The following is an entry in ClinVar:

NM_004525.3(LRP2):c.2694C>T (p.Thr898=)

Gene: LRP2 (LDL receptor related protein 2; minus strand). Cytogenetic location: 2q31.1.
Variant type: single nucleotide variant.
Coding change: c.2694C>T on transcript NM_004525.3 (MANE Select); coding-DNA position 2694, C replaced by T.
Protein change: p.Thr898=; no amino-acid change (threonine 898 retained).
Molecular consequence: synonymous variant.
Genome position (GRCh38, 1-based): chr2:169,256,182, G>A on the plus strand (C>T on the coding strand, the complement: LRP2 is on the minus strand). VCF-style: chr2-169256182-G-A. GRCh37 (hg19) VCF-style: chr2-170112692-G-A.
Identifiers: ClinVar variation 3054363 (VCV003054363.2), dbSNP rs2528424260, ClinGen allele CA429920587.

ClinVar aggregate classification (germline): Likely benign (0 of 4 stars; one submission).

Conditions:
LRP2-related disorder. Also called: LRP2-related condition.

Submission:

PreventionGenetics, part of Exact Sciences
Classification: Likely benign for LRP2-related condition. Last evaluated: 2020-05-11. Review status: no assertion criteria provided. Collection method: clinical testing. Allele origin: germline.
Comment: This variant is classified as likely benign based on ACMG/AMP sequence variant interpretation guidelines (Richards et al. 2015 PMID: 25741868, with internal and published modifications).